The following is an entry in ClinVar:

NM_000360.4(TH):c.901G>T (p.Ala301Ser)

Gene: TH (tyrosine hydroxylase; minus strand). Cytogenetic location: 11p15.5.
Variant type: single nucleotide variant.
Coding change: c.901G>T on transcript NM_000360.4 (MANE Select); coding-DNA position 901, G replaced by T.
Protein change: p.Ala301Ser; replaces alanine 301 with serine.
Molecular consequence: missense variant.
Genome position (GRCh38, 1-based): chr11:2,166,709, C>A on the plus strand (G>T on the coding strand, the complement: TH is on the minus strand). VCF-style: chr11-2166709-C-A. GRCh37 (hg19) VCF-style: chr11-2187939-C-A.
Other names: c.994G>T, p.Ala332Ser (NM_199292.3); c.982G>T, p.Ala328Ser (NM_199293.3); short protein forms A328S, A332S, A301S.
Identifiers: ClinVar variation 2090085 (VCV002090085.4), dbSNP rs779139610, ClinGen allele CA379126253.

ClinVar aggregate classification (germline): Uncertain significance (1 of 4 stars; one submission).

Conditions:
TH-deficient dopa-responsive dystonia. Also called: Tyrosine Hydroxylase-Deficient Dopa-Responsive Dystonia; Segawa syndrome, autosomal recessive; DYT-TH. Identifiers: Orphanet 101150, MedGen C2673535, MONDO:0011551, OMIM 605407.

Submission:

Labcorp Genetics (formerly Invitae), Labcorp
Classification: Uncertain significance for TH-deficient dopa-responsive dystonia. Last evaluated: 2022-09-01. Review status: criteria provided, single submitter. Criteria: Invitae Variant Classification Sherloc (09022015). Collection method: clinical testing. Allele origin: germline.
Comment: In summary, the available evidence is currently insufficient to determine the role of this variant in disease. Therefore, it has been classified as a Variant of Uncertain Significance. Algorithms developed to predict the effect of missense changes on protein structure and function (SIFT, PolyPhen-2, Align-GVGD) all suggest that this variant is likely to be disruptive. This variant has not been reported in the literature in individuals affected with TH-related conditions. This variant is not present in population databases (gnomAD no frequency). This sequence change replaces alanine, which is neutral and non-polar, with serine, which is neutral and polar, at codon 332 of the TH protein (p.Ala332Ser).